The following is an entry in ClinVar:

NM_016169.4(SUFU):c.1042G>A (p.Glu348Lys)

Gene: SUFU (SUFU negative regulator of hedgehog signaling; plus strand). Cytogenetic location: 10q24.32.
Variant type: single nucleotide variant.
Coding change: c.1042G>A on transcript NM_016169.4 (MANE Select); coding-DNA position 1042, G replaced by A.
Protein change: p.Glu348Lys; replaces glutamic acid 348 with lysine.
Molecular consequence: missense variant.
Genome position (GRCh38, 1-based): chr10:102,615,287, G>A. VCF-style: chr10-102615287-G-A. GRCh37 (hg19) VCF-style: chr10-104375044-G-A.
Other names: c.1042G>A, p.Glu348Lys (NM_001178133.2); short protein forms E348K.
Identifiers: ClinVar variation 935935 (VCV000935935.13), dbSNP rs1447671524, ClinGen allele CA377913686.

ClinVar aggregate classification (germline): Uncertain significance. Review status: criteria provided, multiple submitters, no conflicts (2 of 4 stars). 2 submissions from 2 submitters: Uncertain significance (2). Last evaluated 2024-09-08.

Conditions:
Hereditary cancer-predisposing syndrome. Also called: Tumor predisposition; Hereditary neoplastic syndrome; Neoplastic Syndromes, Hereditary; Hereditary Cancer Syndrome. Identifiers: Orphanet 140162, MedGen C0027672, MeSH D009386, MONDO:0015356.
Gorlin syndrome. Also called: Nevoid Basal Cell Carcinoma Syndrome; Basal cell nevus syndrome. Identifiers: Orphanet 377, MedGen C0004779, MONDO:0007187.
Medulloblastoma (MDB). Also called: Medulloblastoma, somatic; MEDULLOBLASTOMA PREDISPOSITION SYNDROME. Identifiers: Orphanet 616, MedGen C0025149, MeSH D008527, MONDO:0007959, OMIM 155255, HP:0002885.

gnomAD v4.1: 5 of 1,614,164 alleles (0.00031%); highest among the groups gnomAD compares: Non-Finnish European, 0.00042%; no homozygotes.

Submissions (2):

Ambry Genetics
Classification: Uncertain significance for Hereditary cancer-predisposing syndrome. Last evaluated: 2024-09-08. Review status: criteria provided, single submitter. Criteria: Ambry Variant Classification Scheme 2023. Collection method: clinical testing. Allele origin: germline.
Comment: The p.E348K variant (also known as c.1042G>A), located in coding exon 9 of the SUFU gene, results from a G to A substitution at nucleotide position 1042. The glutamic acid at codon 348 is replaced by lysine, an amino acid with similar properties. This amino acid position is conserved. In addition, the in silico prediction for this alteration is inconclusive. Since supporting evidence is limited at this time, the clinical significance of this alteration remains unclear.

Labcorp Genetics (formerly Invitae), Labcorp
Classification: Uncertain significance for Gorlin syndrome; Medulloblastoma. Last evaluated: 2022-11-22. Review status: criteria provided, single submitter. Criteria: Invitae Variant Classification Sherloc (09022015). Collection method: clinical testing. Allele origin: germline.
Comment: This sequence change replaces glutamic acid, which is acidic and polar, with lysine, which is basic and polar, at codon 348 of the SUFU protein (p.Glu348Lys). This variant is not present in population databases (gnomAD no frequency). This variant has not been reported in the literature in individuals affected with SUFU-related conditions. ClinVar contains an entry for this variant (Variation ID: 935935). Advanced modeling of protein sequence and biophysical properties (such as structural, functional, and spatial information, amino acid conservation, physicochemical variation, residue mobility, and thermodynamic stability) performed at Invitae indicates that this missense variant is not expected to disrupt SUFU protein function. In summary, the available evidence is currently insufficient to determine the role of this variant in disease. Therefore, it has been classified as a Variant of Uncertain Significance.